The following is an entry in ClinVar:

ClinVar aggregate classification (germline): Uncertain significance (1 of 4 stars; one submission).

Allele frequency attached by ClinVar (database versions not stated): gnomAD exomes below 0.00001.
gnomAD v4.1: 2 of 1,614,218 alleles (0.00012%); highest among the groups gnomAD compares: Admixed American, 0.0033%; no homozygotes.

Submission:

GeneDx
Classification: Uncertain significance. Last evaluated: 2019-07-03. Review status: criteria provided, single submitter. Criteria: GeneDx Variant Classification Process June 2021. Collection method: clinical testing. Allele origin: germline. Affected: yes.
Comment: Not observed in large population cohorts (Lek et al., 2016); In silico analysis, which includes protein predictors and evolutionary conservation, supports that this variant does not alter protein structure/function; Has not been previously published as pathogenic or benign to our knowledge

NM_032806.6(POMGNT2):c.269C>T (p.Ala90Val)

Gene: POMGNT2 (protein O-linked mannose N-acetylglucosaminyltransferase 2 (beta 1,4-); minus strand). Cytogenetic location: 3p22.1.
Variant type: single nucleotide variant.
Coding change: c.269C>T on transcript NM_032806.6 (MANE Select); coding-DNA position 269, C replaced by T.
Protein change: p.Ala90Val; replaces alanine 90 with valine.
Molecular consequence: missense variant.
Genome position (GRCh38, 1-based): chr3:43,081,163, G>A on the plus strand (C>T on the coding strand, the complement: POMGNT2 is on the minus strand). VCF-style: chr3-43081163-G-A. GRCh37 (hg19) VCF-style: chr3-43122655-G-A.
Other names: short protein forms A90V.
Identifiers: ClinVar variation 1306785 (VCV001306785.2), dbSNP rs2125700978, ClinGen allele CA352303588.